The following is an entry in ClinVar:

ClinVar aggregate classification (germline): Likely benign. Review status: criteria provided, multiple submitters, no conflicts (2 of 4 stars). 2 submissions from 2 submitters: Likely benign (2). Last evaluated 2024-12-06.

Conditions:
Peroxisome biogenesis disorder, complementation group 7 (CG7). Also called: Peroxisome biogenesis disorder, complementation group B. Identifiers: MedGen C1864399.
PEX10-related disorder. Also called: PEX10-related condition.

Allele frequency attached by ClinVar (database versions not stated): gnomAD exomes below 0.00001; ExAC 0.00001.

Submissions (2):

PreventionGenetics, part of Exact Sciences
Classification: Likely benign for PEX10-related condition. Last evaluated: 2024-12-06. Review status: criteria provided, single submitter. Criteria: ACMG Guidelines, 2015. Collection method: clinical testing. Allele origin: germline.
Comment: This variant is classified as likely benign based on ACMG/AMP sequence variant interpretation guidelines (Richards et al. 2015 PMID: 25741868, with internal and published modifications).

Labcorp Genetics (formerly Invitae), Labcorp
Classification: Likely benign for Peroxisome biogenesis disorder, complementation group 7. Last evaluated: 2023-04-24. Review status: criteria provided, single submitter. Criteria: Invitae Variant Classification Sherloc (09022015). Collection method: clinical testing. Allele origin: germline.

NM_002617.4(PEX10):c.330G>C (p.Leu110=)

Gene: PEX10 (peroxisomal biogenesis factor 10; minus strand). Cytogenetic location: 1p36.32.
Variant type: single nucleotide variant.
Coding change: c.330G>C on transcript NM_002617.4 (MANE Select); coding-DNA position 330, G replaced by C.
Protein change: p.Leu110=; no amino-acid change (leucine 110 retained).
Molecular consequence: synonymous variant. On other transcripts: 5 prime UTR variant (2), non-coding transcript variant (1).
Genome position (GRCh38, 1-based): chr1:2,408,722, C>G on the plus strand (G>C on the coding strand, the complement: PEX10 is on the minus strand). VCF-style: chr1-2408722-C-G. GRCh37 (hg19) VCF-style: chr1-2340161-C-G.
Other names: c.330G>C, p.Leu110= (NM_001374425.1, NM_153818.2); c.-103G>C (NM_001374426.1, NM_001374427.1); c.330G>C (NM_153818.1).
Identifiers: ClinVar variation 1126968 (VCV001126968.8), dbSNP rs779704977, ClinGen allele CA538210.